The following is an entry in ClinVar:

ClinVar aggregate classification (germline): Conflicting classifications of pathogenicity. Review status: criteria provided, conflicting classifications (1 of 4 stars). 3 submissions from 3 submitters: Uncertain significance (1); Likely benign (1). 1 of the submissions does not count toward it. Last evaluated 2024-06-20.

Conditions:
Arterial calcification, generalized, of infancy, 2. Identifiers: Orphanet 51608, MedGen C3276161, MONDO:0013768, OMIM 614473.
Autosomal recessive inherited pseudoxanthoma elasticum (PXE). Identifiers: Orphanet 758, MedGen CN032334, MONDO:0009925, OMIM 264800.
Pseudoxanthoma elasticum, forme fruste. Also called: PSEUDOXANTHOMA ELASTICUM, HETEROZYGOUS; Pseudoxanthoma Elasticum, Incomplete. Identifiers: Orphanet 758, MedGen C1867450, MONDO:0008333, OMIM 177850.

Allele frequency attached by ClinVar (database versions not stated): TOPMed 0.00001; ESP Exome Variant Server 0.00008; gnomAD exomes 0.00001.
gnomAD v4.1: 18 of 1,613,406 alleles (0.0011%); highest among the groups gnomAD compares: South Asian, 0.0022%; no homozygotes.

Submissions (3):

Fulgent Genetics
Classification: Uncertain significance for Pseudoxanthoma elasticum, forme fruste; Autosomal recessive inherited pseudoxanthoma elasticum; Arterial calcification, generalized, of infancy, 2. Last evaluated: 2024-06-20. Review status: criteria provided, single submitter. Criteria: ACMG Guidelines, 2015. Collection method: clinical testing. Allele origin: germline.

GeneDx
Classification: Likely benign. Last evaluated: 2016-05-11. Review status: criteria provided, single submitter. Criteria: GeneDx Variant Classification (06012015). Collection method: clinical testing. Allele origin: germline. Affected: yes.
Comment: This variant is considered likely benign or benign based on one or more of the following criteria: it is a conservative change, it occurs at a poorly conserved position in the protein, it is predicted to be benign by multiple in silico algorithms, and/or has population frequency not consistent with disease.

PXE International
Classification: Uncertain significance for Autosomal recessive inherited pseudoxanthoma elasticum. Last evaluated: 2021-03-01. Review status: no assertion criteria provided. Collection method: research. Allele origin: germline. Inheritance: Autosomal recessive inheritance. Affected: yes. Not counted in ClinVar's aggregate classification.

Literature cited by the submitters: PubMed 32873932 (cited by PXE International); PubMed 16835894 (cited by PXE International).

NM_001171.6(ABCC6):c.754C>T (p.Leu252Phe)

Gene: ABCC6 (ATP binding cassette subfamily C member 6; minus strand). Cytogenetic location: 16p13.11.
Variant type: single nucleotide variant.
Coding change: c.754C>T on transcript NM_001171.6 (MANE Select); coding-DNA position 754, C replaced by T.
Protein change: p.Leu252Phe; replaces leucine 252 with phenylalanine.
Molecular consequence: missense variant. On other transcripts: non-coding transcript variant (1).
Genome position (GRCh38, 1-based): chr16:16,208,768, G>A on the plus strand (C>T on the coding strand, the complement: ABCC6 is on the minus strand). VCF-style: chr16-16208768-G-A. GRCh37 (hg19) VCF-style: chr16-16302625-G-A.
Other names: c.412C>T, p.Leu138Phe (NM_001351800.1); short protein forms L252F, L138F.
Identifiers: ClinVar variation 381635 (VCV000381635.4), dbSNP rs72653757, ClinGen allele CA7926577.